The following is an entry in ClinVar:

ClinVar aggregate classification (germline): Uncertain significance (1 of 4 stars; one submission).

Conditions:
Charcot-Marie-Tooth disease type 2R. Also called: CHARCOT-MARIE-TOOTH DISEASE, AXONAL, AUTOSOMAL RECESSIVE, TYPE 2R; CHARCOT-MARIE-TOOTH NEUROPATHY, TYPE 2R; Charcot-Marie-Tooth disease, axonal, type 2R. Identifiers: Orphanet 397968, MedGen C3809655, MONDO:0014208, OMIM 615490.

Allele frequency attached by ClinVar (database versions not stated): gnomAD exomes below 0.00001; ExAC 0.00001.
gnomAD v4.1: 2 of 1,614,014 alleles (0.00012%); highest among the groups gnomAD compares: South Asian, 0.0011%; no homozygotes.

Submission:

Labcorp Genetics (formerly Invitae), Labcorp
Classification: Uncertain significance for Charcot-Marie-Tooth disease type 2R. Last evaluated: 2020-12-25. Review status: criteria provided, single submitter. Criteria: Invitae Variant Classification Sherloc (09022015). Collection method: clinical testing. Allele origin: germline.
Comment: This variant is present in population databases (rs781013555, ExAC 0.006%). This variant has not been reported in the literature in individuals with TRIM2-related conditions. This sequence change replaces proline with arginine at codon 372 of the TRIM2 protein (p.Pro372Arg). The proline residue is moderately conserved and there is a moderate physicochemical difference between proline and arginine. In summary, the available evidence is currently insufficient to determine the role of this variant in disease. Therefore, it has been classified as a Variant of Uncertain Significance. Algorithms developed to predict the effect of missense changes on protein structure and function are either unavailable or do not agree on the potential impact of this missense change (SIFT: "Tolerated"; PolyPhen-2: "Possibly Damaging"; Align-GVGD: "Class C0").

NM_015271.5(TRIM2):c.1196C>G (p.Pro399Arg)

Gene: TRIM2 (tripartite motif containing 2; plus strand). Cytogenetic location: 4q31.3.
Variant type: single nucleotide variant.
Coding change: c.1196C>G on transcript NM_015271.5 (MANE Select); coding-DNA position 1196, C replaced by G.
Protein change: p.Pro399Arg; replaces proline 399 with arginine.
Molecular consequence: missense variant.
Genome position (GRCh38, 1-based): chr4:153,295,722, C>G. VCF-style: chr4-153295722-C-G. GRCh37 (hg19) VCF-style: chr4-154216874-C-G.
Other names: c.1115C>G, p.Pro372Arg (NM_001130067.2, NM_001351056.2, NM_001375512.1 and 5 more transcripts); c.1169C>G, p.Pro390Arg (NM_001351054.2); c.1166C>G, p.Pro389Arg (NM_001351055.2); c.740C>G, p.Pro247Arg (NM_001351057.2); c.1289C>G, p.Pro430Arg (NM_001375488.1); c.1286C>G, p.Pro429Arg (NM_001375489.1); c.1139C>G, p.Pro380Arg (NM_001375490.1); c.1136C>G, p.Pro379Arg (NM_001375491.1); and 3 more; short protein forms P287R, P430R, P286R, P288R, P372R, P389R, P390R, P399R.
Identifiers: ClinVar variation 1407423 (VCV001407423.8), dbSNP rs781013555, ClinGen allele CA3108703.
Genomic context (GRCh38, chr4:153,295,722, plus strand): 5'-ACAAAGACGGTGAGCTGTGCAAAACCGGCAACGCCTACCTCACCGCCGAACTGAGCACCC[C>G]CGACGGGAGCGTGGCAGACGGGGAGATCCTGGACAACAAGAACGGCACCTATGAGTTTTT-3'
Protein context (NP_056086.2, residues 389-409): NAYLTAELST[Pro399Arg]DGSVADGEIL